The following is an entry in ClinVar:

NM_031844.3(HNRNPU):c.2328G>T (p.Met776Ile)

Gene: HNRNPU (heterogeneous nuclear ribonucleoprotein U; minus strand). Cytogenetic location: 1q44.
Variant type: single nucleotide variant.
Coding change: c.2328G>T on transcript NM_031844.3 (MANE Select); coding-DNA position 2328, G replaced by T.
Protein change: p.Met776Ile; replaces methionine 776 with isoleucine.
Molecular consequence: missense variant.
Genome position (GRCh38, 1-based): chr1:244,855,448, C>A on the plus strand (G>T on the coding strand, the complement: HNRNPU is on the minus strand). VCF-style: chr1-244855448-C-A. GRCh37 (hg19) VCF-style: chr1-245018750-C-A.
Other names: c.2271G>T, p.Met757Ile (NM_004501.3); c.2328G>T (NM_031844.2); short protein forms M757I, M776I.
Identifiers: ClinVar variation 2190804 (VCV002190804.5), dbSNP rs1257366051, ClinGen allele CA345486847.
Genomic context (GRCh38, chr1:244,855,448, plus strand): 5'-TTATCAATCATGCTTCCAGGGATCTTGAATCATTACCTGGTTGTAGTTCCCTCTGTTGGG[C>A]ATTCCACCTCTGTTGTAGTTCCCTCTGTTTGAGTAACTACCACGGCCAGGAAAAACAGGG-3'
Protein context (NP_114032.2, residues 766-786): SNRGNYNRGG[Met776Ile]PNRGNYNQNF

ClinVar aggregate classification (germline): Uncertain significance. Review status: criteria provided, multiple submitters, no conflicts (2 of 4 stars). 2 submissions from 2 submitters: Uncertain significance (2). Last evaluated 2026-01-25.

Conditions:
Inborn genetic diseases. Identifiers: MedGen C0950123, MeSH D030342.
Developmental and epileptic encephalopathy, 54. Also called: Epileptic encephalopathy, early infantile, 54; HNRNPU-Related Neurodevelopmental Disorder. Identifiers: MedGen C4479319, MONDO:0033363, OMIM 617391.

Allele frequency attached by ClinVar (database versions not stated): gnomAD exomes below 0.00001; TOPMed below 0.00001.
gnomAD v4.1: 1 of 1,613,698 alleles (0.000062%); highest among the groups gnomAD compares: Non-Finnish European, 0.000085%; no homozygotes.

Submissions (2):

Ambry Genetics
Classification: Uncertain significance for Inborn genetic diseases. Last evaluated: 2026-01-25. Review status: criteria provided, single submitter. Criteria: Ambry Variant Classification Scheme 2023. Collection method: clinical testing. Allele origin: germline.

Labcorp Genetics (formerly Invitae), Labcorp
Classification: Uncertain significance for Developmental and epileptic encephalopathy, 54. Last evaluated: 2023-03-10. Review status: criteria provided, single submitter. Criteria: Invitae Variant Classification Sherloc (09022015). Collection method: clinical testing. Allele origin: germline.
Comment: This variant is present in population databases (no rsID available, gnomAD 0.0009%). This sequence change replaces methionine, which is neutral and non-polar, with isoleucine, which is neutral and non-polar, at codon 776 of the HNRNPU protein (p.Met776Ile). This variant has not been reported in the literature in individuals affected with HNRNPU-related conditions. ClinVar contains an entry for this variant (Variation ID: 2190804). Advanced modeling of protein sequence and biophysical properties (such as structural, functional, and spatial information, amino acid conservation, physicochemical variation, residue mobility, and thermodynamic stability) performed at Invitae indicates that this missense variant is not expected to disrupt HNRNPU protein function. In summary, the available evidence is currently insufficient to determine the role of this variant in disease. Therefore, it has been classified as a Variant of Uncertain Significance.